The following is an entry in ClinVar:

ClinVar aggregate classification (germline): Likely benign (1 of 4 stars; one submission).

Allele frequency attached by ClinVar (database versions not stated): gnomAD exomes 0.00005; ExAC 0.00015; ESP Exome Variant Server 0.00023; 1000 Genomes Project 30x 0.00047; TOPMed 0.00049; gnomAD 0.00059; 1000 Genomes Project 0.00060.

Submission:

CeGaT Center for Human Genetics Tuebingen
Classification: Likely benign. Last evaluated: 2022-04-01. Review status: criteria provided, single submitter. Criteria: CeGaT Center For Human Genetics Tuebingen Variant Classification Criteria Version 2. Collection method: clinical testing. Allele origin: germline. Affected: yes. Observed: 1 variant allele.
Comment: NUP98: BP4, BP7

NM_016320.5(NUP98):c.2640T>C (p.Ser880=)

Gene: NUP98 (nucleoporin 98 and 96 precursor; minus strand). Cytogenetic location: 11p15.4.
Variant type: single nucleotide variant.
Coding change: c.2640T>C on transcript NM_016320.5 (MANE Select); coding-DNA position 2640, T replaced by C.
Protein change: p.Ser880=; no amino-acid change (serine 880 retained).
Molecular consequence: synonymous variant. On other transcripts: non-coding transcript variant (3).
Genome position (GRCh38, 1-based): chr11:3,712,666, A>G on the plus strand (T>C on the coding strand, the complement: NUP98 is on the minus strand). VCF-style: chr11-3712666-A-G. GRCh37 (hg19) VCF-style: chr11-3733896-A-G.
Other names: c.2640T>C, p.Ser880= (NM_001365125.2, NM_139131.5, NM_139132.4); c.2691T>C, p.Ser897= (NM_001365126.2, NM_005387.7); c.2616T>C, p.Ser872= (NM_001365127.2); c.2589T>C, p.Ser863= (NM_001365128.2); c.2499T>C, p.Ser833= (NM_001365129.2).
Identifiers: ClinVar variation 2641516 (VCV002641516.24), dbSNP rs201111479, ClinGen allele CA5828691.